The following is an entry in ClinVar:

NM_005477.3(HCN4):c.987C>A (p.Asp329Glu)

Genes: HCN4 (hyperpolarization activated cyclic nucleotide gated potassium channel 4; minus strand), LOC105370890 (uncharacterized LOC105370890; plus strand), LOC126862173 (CDK7 strongly-dependent group 2 enhancer GRCh37_chr15:73635762-73636961; plus strand). Cytogenetic location: 15q24.1.
Variant type: single nucleotide variant.
Coding change: c.987C>A on transcript NM_005477.3 (MANE Select); coding-DNA position 987, C replaced by A.
Protein change: p.Asp329Glu; replaces aspartic acid 329 with glutamic acid.
Molecular consequence: missense variant.
Genome position (GRCh38, 1-based): chr15:73,343,607, G>T on the plus strand (C>A on the coding strand, the complement: HCN4 is on the minus strand). VCF-style: chr15-73343607-G-T. GRCh37 (hg19) VCF-style: chr15-73635948-G-T.
Other names: short protein forms D329E.
Identifiers: ClinVar variation 1504376 (VCV001504376.8), dbSNP rs1472247877, ClinGen allele CA393095100.

ClinVar aggregate classification (germline): Uncertain significance (1 of 4 stars; one submission).

Conditions:
Brugada syndrome 8 (BRGDA8). Identifiers: Orphanet 130, MedGen C2751083, MONDO:0013148, OMIM 613123.

Allele frequency attached by ClinVar (database versions not stated): gnomAD exomes below 0.00001.
gnomAD v4.1: 2 of 1,614,150 alleles (0.00012%); highest among the groups gnomAD compares: Admixed American, 0.0033%; no homozygotes.

Submission:

Labcorp Genetics (formerly Invitae), Labcorp
Classification: Uncertain significance for Brugada syndrome 8. Last evaluated: 2026-01-11. Review status: criteria provided, single submitter. Criteria: Invitae Variant Classification Sherloc (09022015). Collection method: clinical testing. Allele origin: germline.
Comment: This sequence change replaces aspartic acid, which is acidic and polar, with glutamic acid, which is acidic and polar, at codon 329 of the HCN4 protein (p.Asp329Glu). This variant is present in population databases (no rsID available, gnomAD 0.003%). This variant has not been reported in the literature in individuals affected with HCN4-related conditions. ClinVar contains an entry for this variant (Variation ID: 1504376). Invitae Evidence Modeling of protein sequence and biophysical properties (such as structural, functional, and spatial information, amino acid conservation, physicochemical variation, residue mobility, and thermodynamic stability) indicates that this missense variant is not expected to disrupt HCN4 protein function with a negative predictive value of 95%. In summary, the available evidence is currently insufficient to determine the role of this variant in disease. Therefore, it has been classified as a Variant of Uncertain Significance.